The following is an entry in ClinVar:

ClinVar aggregate classification (germline): Likely benign. Review status: criteria provided, multiple submitters, no conflicts (2 of 4 stars). 3 submissions from 3 submitters: Likely benign (3). Last evaluated 2025-12-22.

Conditions:
Ehlers-Danlos syndrome, classic type, 1 (EDSCL1). Also called: EHLERS-DANLOS SYNDROME, GRAVIS TYPE; EHLERS-DANLOS SYNDROME, SEVERE CLASSIC TYPE; EDS I; Ehlers-Danlos Syndrome, Classic Type, COL5A1-Related; Ehlers-Danlos syndrome, type 1. Identifiers: MedGen C0268335, MONDO:0019567, OMIM 130000.
Connective tissue disorder. Also called: Connective tissue disease. Identifiers: MedGen C0009782, MONDO:0003900.

Allele frequency attached by ClinVar (database versions not stated): gnomAD exomes 0.00002 and 0.00007; gnomAD 0.00005; ESP Exome Variant Server 0.00008; 1000 Genomes Project 0.00020; 1000 Genomes Project 30x 0.00016; TOPMed 0.00005; ExAC 0.00002.
gnomAD v4.1: 107 of 1,611,992 alleles (0.0066%); highest among the groups gnomAD compares: Non-Finnish European, 0.0086%; no homozygotes.

Submissions (3):

Labcorp Genetics (formerly Invitae), Labcorp
Classification: Likely benign for Ehlers-Danlos syndrome, classic type, 1. Last evaluated: 2025-12-22. Review status: criteria provided, single submitter. Criteria: Invitae Variant Classification Sherloc (09022015). Collection method: clinical testing. Allele origin: germline.

Center for Human Genetics, Inc
Classification: Likely benign for Connective tissue disorder. Last evaluated: 2018-06-01. Review status: criteria provided, single submitter. Criteria: ACMG Guidelines, 2015. Collection method: clinical testing. Allele origin: germline. Affected: yes.

GeneDx
Classification: Likely benign. Last evaluated: 2017-04-03. Review status: criteria provided, single submitter. Criteria: GeneDx Variant Classification (06012015). Collection method: clinical testing. Allele origin: germline. Affected: yes.
Comment: This variant is considered likely benign or benign based on one or more of the following criteria: it is a conservative change, it occurs at a poorly conserved position in the protein, it is predicted to be benign by multiple in silico algorithms, and/or has population frequency not consistent with disease.

NM_000093.5(COL5A1):c.2034+18G>C

Gene: COL5A1 (collagen type V alpha 1 chain; plus strand). Cytogenetic location: 9q34.3.
Variant type: single nucleotide variant.
Coding change: c.2034+18G>C on transcript NM_000093.5 (MANE Select); 18 bases into the intron after coding-DNA position 2034, G replaced by C.
Molecular consequence: intron variant.
Genome position (GRCh38, 1-based): chr9:134,763,755, G>C. VCF-style: chr9-134763755-G-C. GRCh37 (hg19) VCF-style: chr9-137655601-G-C.
Other names: c.2034+18G>C (NM_001278074.1).
Identifiers: ClinVar variation 508460 (VCV000508460.9), dbSNP rs200055343, ClinGen allele CA5319113.